The following is an entry in ClinVar:

ClinVar aggregate classification (germline): Uncertain significance (1 of 4 stars; one submission).

Conditions:
Fucosidosis. Also called: ALPHA-L-FUCOSIDASE DEFICIENCY. Identifiers: Orphanet 349, MedGen C0016788, MONDO:0009254, OMIM 230000.

Allele frequency attached by ClinVar (database versions not stated): ExAC below 0.00001; gnomAD exomes below 0.00001.
gnomAD v4.1: 4 of 1,611,744 alleles (0.00025%); highest among the groups gnomAD compares: Non-Finnish European, 0.00034%; no homozygotes.

Submission:

Labcorp Genetics (formerly Invitae), Labcorp
Classification: Uncertain significance for Fucosidosis. Last evaluated: 2018-06-13. Review status: criteria provided, single submitter. Criteria: Invitae Variant Classification Sherloc (09022015). Collection method: clinical testing. Allele origin: germline.
Comment: In summary, the available evidence is currently insufficient to determine the role of this variant in disease. Therefore, it has been classified as a Variant of Uncertain Significance. Algorithms developed to predict the effect of missense changes on protein structure and function are either unavailable or do not agree on the potential impact of this missense change (SIFT: "Deleterious"; PolyPhen-2: "Probably Damaging"; Align-GVGD: "Class C0"). This variant has not been reported in the literature in individuals with FUCA1-related disease. The frequency data for this variant in the population databases is considered unreliable, as metrics indicate poor data quality at this position in the ExAC database. This sequence change replaces proline with leucine at codon 70 of the FUCA1 protein (p.Pro70Leu). The proline residue is highly conserved and there is a moderate physicochemical difference between proline and leucine.

NM_000147.5(FUCA1):c.209C>T (p.Pro70Leu)

Gene: FUCA1 (alpha-L-fucosidase 1; minus strand). Cytogenetic location: 1p36.11.
Variant type: single nucleotide variant.
Coding change: c.209C>T on transcript NM_000147.5 (MANE Select); coding-DNA position 209, C replaced by T.
Protein change: p.Pro70Leu; replaces proline 70 with leucine.
Molecular consequence: missense variant.
Genome position (GRCh38, 1-based): chr1:23,868,078, G>A on the plus strand (C>T on the coding strand, the complement: FUCA1 is on the minus strand). VCF-style: chr1-23868078-G-A. GRCh37 (hg19) VCF-style: chr1-24194568-G-A.
Other names: short protein forms P70L.
Identifiers: ClinVar variation 568113 (VCV000568113.8), dbSNP rs770492031, ClinGen allele CA686604.